The following is an entry in ClinVar:

NM_017890.5(VPS13B):c.4218C>T (p.Asp1406=)

Gene: VPS13B (vacuolar protein sorting 13 homolog B; plus strand). Cytogenetic location: 8q22.2.
Variant type: single nucleotide variant.
Coding change: c.4218C>T on transcript NM_017890.5 (MANE Plus Clinical); coding-DNA position 4218, C replaced by T.
Protein change: p.Asp1406=; no amino-acid change (aspartic acid 1406 retained).
Molecular consequence: synonymous variant. On other transcripts: intron variant (1).
Genome position (GRCh38, 1-based): chr8:99,507,830, C>T. VCF-style: chr8-99507830-C-T. GRCh37 (hg19) VCF-style: chr8-100520058-C-T.
Other names: c.4224+627C>T (NM_152564.5); c.4218C>T (NM_017890.4).
Identifiers: ClinVar variation 1126259 (VCV001126259.10), dbSNP rs1227316936, ClinGen allele CA462438834.

ClinVar aggregate classification (germline): Likely benign. Review status: criteria provided, multiple submitters, no conflicts (2 of 4 stars). 2 submissions from 2 submitters: Likely benign (2). Last evaluated 2025-05-09.

Conditions:
Cohen syndrome (COH1). Also called: Cutis verticis gyrata, retinitis pigmentosa, and sensorineural deafness; PEPPER SYNDROME. Identifiers: Orphanet 193, MedGen C0265223, MONDO:0008999, OMIM 216550.
VPS13B-related disorder. Also called: VPS13B-related condition.

Allele frequency attached by ClinVar (database versions not stated): gnomAD 0.00001; gnomAD exomes below 0.00001; TOPMed below 0.00001.
gnomAD v4.1: 5 of 1,613,952 alleles (0.00031%); highest among the groups gnomAD compares: Non-Finnish European, 0.00042%; no homozygotes.

Submissions (2):

PreventionGenetics, part of Exact Sciences
Classification: Likely benign for VPS13B-related condition. Last evaluated: 2025-05-09. Review status: criteria provided, single submitter. Criteria: ACMG Guidelines, 2015. Collection method: clinical testing. Allele origin: germline.
Comment: This variant is classified as likely benign based on ACMG/AMP sequence variant interpretation guidelines (Richards et al. 2015 PMID: 25741868, with internal and published modifications).

Labcorp Genetics (formerly Invitae), Labcorp
Classification: Likely benign for Cohen syndrome. Last evaluated: 2022-09-01. Review status: criteria provided, single submitter. Criteria: Invitae Variant Classification Sherloc (09022015). Collection method: clinical testing. Allele origin: germline.